The following is an entry in ClinVar:

ClinVar aggregate classification (germline): Conflicting classifications of pathogenicity. Review status: criteria provided, conflicting classifications (1 of 4 stars). 4 submissions from 4 submitters: Uncertain significance (2); Likely benign (1). 1 of the submissions does not count toward it. Last evaluated 2024-11-08.

Conditions:
ECEL1-related disorder. Also called: ECEL1-related condition.

Allele frequency attached by ClinVar (database versions not stated): 1000 Genomes Project 30x 0.00047; 1000 Genomes Project 0.00060; ESP Exome Variant Server 0.00077; gnomAD 0.00082 and 0.00085; gnomAD exomes 0.00092; ExAC 0.00113.
gnomAD v4.1: 1,852 of 1,613,626 alleles (0.11%); highest among the groups gnomAD compares: Non-Finnish European, 0.15%; 1 homozygote.

Submissions (4):

Blueprint Genetics
Classification: Uncertain significance. Last evaluated: 2024-11-08. Review status: criteria provided, single submitter. Criteria: ACMG Guidelines, 2015. Collection method: clinical testing. Allele origin: germline.

GeneDx
Classification: Uncertain significance. Last evaluated: 2022-10-05. Review status: criteria provided, single submitter. Criteria: GeneDx Variant Classification Process June 2021. Collection method: clinical testing. Allele origin: germline. Affected: yes.
Comment: Has not been previously published as pathogenic or benign to our knowledge; In silico analysis supports that this missense variant does not alter protein structure/function

Labcorp Genetics (formerly Invitae), Labcorp
Classification: Likely benign. Last evaluated: 2019-12-07. Review status: criteria provided, single submitter. Criteria: Invitae Variant Classification Sherloc (09022015). Collection method: clinical testing. Allele origin: germline.

PreventionGenetics, part of Exact Sciences
Classification: Likely benign for ECEL1-related condition. Last evaluated: 2022-01-31. Review status: no assertion criteria provided. Collection method: clinical testing. Allele origin: germline. Not counted in ClinVar's aggregate classification.
Comment: This variant is classified as likely benign based on ACMG/AMP sequence variant interpretation guidelines (Richards et al. 2015 PMID: 25741868, with internal and published modifications).

NM_004826.4(ECEL1):c.1868G>C (p.Gly623Ala)

Gene: ECEL1 (endothelin converting enzyme like 1; minus strand). Cytogenetic location: 2q37.1.
Variant type: single nucleotide variant.
Coding change: c.1868G>C on transcript NM_004826.4 (MANE Select); coding-DNA position 1868, G replaced by C.
Protein change: p.Gly623Ala; replaces glycine 623 with alanine.
Molecular consequence: missense variant.
Genome position (GRCh38, 1-based): chr2:232,481,627, C>G on the plus strand (G>C on the coding strand, the complement: ECEL1 is on the minus strand). VCF-style: chr2-232481627-C-G. GRCh37 (hg19) VCF-style: chr2-233346337-C-G.
Other names: c.1868G>C (NM_004826.3); c.1862G>C, p.Gly621Ala (NM_001290787.2); short protein forms G621A, G623A.
Identifiers: ClinVar variation 1156876 (VCV001156876.10), dbSNP rs138272112, ClinGen allele CA2167047.